The following is an entry in ClinVar:

NM_000153.4(GALC):c.37C>T (p.Arg13Ter)

Gene: GALC (galactosylceramidase; minus strand). Cytogenetic location: 14q31.3.
Variant type: single nucleotide variant.
Coding change: c.37C>T on transcript NM_000153.4 (MANE Select); coding-DNA position 37, C replaced by T.
Protein change: p.Arg13Ter; replaces arginine 13 with a stop codon.
Molecular consequence: nonsense. On other transcripts: intron variant (1).
Genome position (GRCh38, 1-based): chr14:87,993,128, G>A on the plus strand (C>T on the coding strand, the complement: GALC is on the minus strand). VCF-style: chr14-87993128-G-A. GRCh37 (hg19) VCF-style: chr14-88459472-G-A.
Other names: c.37C>T, p.Arg13Ter (NM_001201401.2); c.117+255C>T (NM_001201402.2); short protein forms R13*.
Identifiers: ClinVar variation 1072645 (VCV001072645.7), dbSNP rs1173602413, ClinGen allele CA390772040.
Genomic context (GRCh38, chr14:87,993,128, plus strand): 5'-GCAGCAAGGGCACCGCGGCGCGGCCCGCCGAACCCGCGGCCGCAGTCATAGCTTTCGCTC[G>A]GCGTTGCCAGGAAGCCGAGAGTAGCCACTCAGCCATTGTGTGGGTCACATGACTCCGGCG-3'

ClinVar aggregate classification (germline): Pathogenic (1 of 4 stars; one submission).

Conditions:
Galactosylceramide beta-galactosidase deficiency. Also called: GALACTOCEREBROSIDASE DEFICIENCY; GALC DEFICIENCY; GLOBOID CELL LEUKOENCEPHALOPATHY; Krabbe Disease; Leukodystrophy, Globoid Cell. Identifiers: Orphanet 487, MedGen C0023521, MONDO:0009499, OMIM 245200.

Submission:

Labcorp Genetics (formerly Invitae), Labcorp
Classification: Pathogenic for Galactosylceramide beta-galactosidase deficiency. Last evaluated: 2020-04-21. Review status: criteria provided, single submitter. Criteria: Invitae Variant Classification Sherloc (09022015). Collection method: clinical testing. Allele origin: germline.
Comment: This sequence change creates a premature translational stop signal (p.Arg13*) in the GALC gene. It is expected to result in an absent or disrupted protein product. The frequency data for this variant in the population databases is considered unreliable, as metrics indicate insufficient coverage at this position in the ExAC database. This variant has not been reported in the literature in individuals with GALC-related conditions. Loss-of-function variants in GALC are known to be pathogenic (PMID: 7437911, 9272171, 16607461). For these reasons, this variant has been classified as Pathogenic.

Literature cited by the submitters: PubMed 7437911; PubMed 9272171; PubMed 16607461.